The following is an entry in ClinVar:

NM_014159.7(SETD2):c.3661A>G (p.Thr1221Ala)

Gene: SETD2 (SET domain containing 2, histone lysine methyltransferase; minus strand). Cytogenetic location: 3p21.31.
Variant type: single nucleotide variant.
Coding change: c.3661A>G on transcript NM_014159.7 (MANE Select); coding-DNA position 3661, A replaced by G.
Protein change: p.Thr1221Ala; replaces threonine 1221 with alanine.
Molecular consequence: missense variant. On other transcripts: non-coding transcript variant (1).
Genome position (GRCh38, 1-based): chr3:47,120,975, T>C on the plus strand (A>G on the coding strand, the complement: SETD2 is on the minus strand). VCF-style: chr3-47120975-T-C. GRCh37 (hg19) VCF-style: chr3-47162465-T-C.
Other names: c.3529A>G, p.Thr1177Ala (NM_001349370.3); short protein forms T1177A, T1221A.
Identifiers: ClinVar variation 938880 (VCV000938880.6), dbSNP rs760833718, ClinGen allele CA2363346.

ClinVar aggregate classification (germline): Uncertain significance (1 of 4 stars; one submission).

Conditions:
Luscan-Lumish syndrome. Identifiers: Orphanet 597738, MedGen C4085873, MONDO:0014791, OMIM 616831.

Allele frequency attached by ClinVar (database versions not stated): gnomAD exomes below 0.00001 and 0.00001; TOPMed below 0.00001; ExAC 0.00001; gnomAD 0.00001.
gnomAD v4.1: 10 of 1,614,104 alleles (0.00062%); highest among the groups gnomAD compares: Non-Finnish European, 0.00076%; no homozygotes.

Submission:

Labcorp Genetics (formerly Invitae), Labcorp
Classification: Uncertain significance for Luscan-Lumish syndrome. Last evaluated: 2019-06-29. Review status: criteria provided, single submitter. Criteria: Invitae Variant Classification Sherloc (09022015). Collection method: clinical testing. Allele origin: germline.
Comment: This sequence change replaces threonine with alanine at codon 1221 of the SETD2 protein (p.Thr1221Ala). The threonine residue is weakly conserved and there is a small physicochemical difference between threonine and alanine. This variant is present in population databases (rs760833718, ExAC 0.001%). This variant has not been reported in the literature in individuals with SETD2-related conditions. Algorithms developed to predict the effect of missense changes on protein structure and function output the following: SIFT: "Tolerated"; PolyPhen-2: "Benign"; Align-GVGD: "Class C0". The alanine amino acid residue is found in multiple mammalian species, suggesting that this missense change does not adversely affect protein function. These predictions have not been confirmed by published functional studies and their clinical significance is uncertain. In summary, the available evidence is currently insufficient to determine the role of this variant in disease. Therefore, it has been classified as a Variant of Uncertain Significance.